The following is an entry in ClinVar:

NM_004369.4(COL6A3):c.3852C>A (p.Phe1284Leu)

Gene: COL6A3 (collagen type VI alpha 3 chain; minus strand). Cytogenetic location: 2q37.3.
Variant type: single nucleotide variant.
Coding change: c.3852C>A on transcript NM_004369.4 (MANE Select); coding-DNA position 3852, C replaced by A.
Protein change: p.Phe1284Leu; replaces phenylalanine 1284 with leucine.
Molecular consequence: missense variant.
Genome position (GRCh38, 1-based): chr2:237,372,165, G>T on the plus strand (C>A on the coding strand, the complement: COL6A3 is on the minus strand). VCF-style: chr2-237372165-G-T. GRCh37 (hg19) VCF-style: chr2-238280808-G-T.
Other names: c.2631C>A, p.Phe877Leu (NM_057164.5); c.3234C>A, p.Phe1078Leu (NM_057165.5, NM_057167.4); c.2031C>A, p.Phe677Leu (NM_057166.5); short protein forms F1284L, F1078L, F677L, F877L.
Identifiers: ClinVar variation 284495 (VCV000284495.22), dbSNP rs148561729, ClinGen allele CA2189059.

ClinVar aggregate classification (germline): Conflicting classifications of pathogenicity. Review status: criteria provided, conflicting classifications (1 of 4 stars). 7 submissions from 7 submitters: Uncertain significance (5); Benign (1); Likely benign (1). Last evaluated 2026-01-26.

Conditions:
Dystonia 27 (DYT27). Identifiers: Orphanet 464440, MedGen C4225336, MONDO:0014627, OMIM 616411.
Collagen 6-related myopathy. Identifiers: MedGen CN117976, MONDO:0100225.
Bethlem myopathy 1A. Also called: Bethlem myopathy 1; MYOPATHY, BENIGN CONGENITAL, WITH CONTRACTURES; Bethlem Muscular Dystrophy. Identifiers: Orphanet 610, MedGen CN029274, MONDO:0024530, OMIM 158810.

Allele frequency attached by ClinVar (database versions not stated): TOPMed 0.00029; ESP Exome Variant Server 0.00062.
gnomAD v4.1: 382 of 1,613,994 alleles (0.024%); highest among the groups gnomAD compares: Non-Finnish European, 0.03%; no homozygotes.

Submissions (7):

Labcorp Genetics (formerly Invitae), Labcorp
Classification: Likely benign for Bethlem myopathy 1A. Last evaluated: 2026-01-26. Review status: criteria provided, single submitter. Criteria: Invitae Variant Classification Sherloc (09022015). Collection method: clinical testing. Allele origin: germline.

GeneDx
Classification: Uncertain significance. Last evaluated: 2025-06-16. Review status: criteria provided, single submitter. Criteria: GeneDx Variant Classification Process June 2021. Collection method: clinical testing. Allele origin: germline. Affected: yes.
Comment: Reported in an individual with limb girdle muscular dystrophy who harbored secondary variants in other muscular dystrophy associated genes (PMID: 31862442); In silico analysis supports that this missense variant has a deleterious effect on protein structure/function; This variant is associated with the following publications: (PMID: 31862442)

Blueprint Genetics
Classification: Uncertain significance. Last evaluated: 2024-11-15. Review status: criteria provided, single submitter. Criteria: ACMG Guidelines, 2015. Collection method: clinical testing. Allele origin: germline.

Department of Pathology and Laboratory Medicine, Sinai Health System
Classification: Uncertain significance for dystonia 27. Last evaluated: 2023-05-27. Review status: criteria provided, single submitter. Criteria: ACMG Guidelines, 2015. Collection method: research. Allele origin: germline.

Revvity Omics, Revvity
Classification: Uncertain significance. Last evaluated: 2019-06-17. Review status: criteria provided, single submitter. Criteria: ACMG Guidelines, 2015. Collection method: clinical testing. Allele origin: germline.

Illumina Laboratory Services, Illumina
Classification: Benign for Collagen VI-related myopathy. Last evaluated: 2018-01-13. Review status: criteria provided, single submitter. Criteria: ICSL Variant Classification Criteria 13 December 2019. Collection method: clinical testing. Allele origin: germline.
Comment: This variant was observed in the ICSL laboratory as part of a predisposition screen in an ostensibly healthy population. It had not been previously curated by ICSL or reported in the Human Gene Mutation Database (HGMD: prior to June 1st, 2018), and was therefore a candidate for classification through an automated scoring system. Utilizing variant allele frequency, disease prevalence and penetrance estimates, and inheritance mode, an automated score was calculated to assess if this variant is too frequent to cause the disease. Based on the score and internal cut-off values, a variant classified as benign is not then subjected to further curation. The score for this variant resulted in a classification of benign for this disease.

Eurofins Ntd Llc (ga)
Classification: Uncertain significance. Last evaluated: 2017-04-12. Review status: criteria provided, single submitter. Criteria: EGL Classification Definitions 2015. Collection method: clinical testing. Allele origin: germline. Observed: 2 variant alleles, 2 heterozygotes.